The following is an entry in ClinVar:

NM_004004.6(GJB2):c.598G>T (p.Gly200Ter)

Gene: GJB2 (gap junction protein beta 2; minus strand). Cytogenetic location: 13q12.11.
Variant type: single nucleotide variant.
Coding change: c.598G>T on transcript NM_004004.6 (MANE Select); coding-DNA position 598, G replaced by T.
Protein change: p.Gly200Ter; replaces glycine 200 with a stop codon.
Molecular consequence: nonsense.
Genome position (GRCh38, 1-based): chr13:20,188,984, C>A on the plus strand (G>T on the coding strand, the complement: GJB2 is on the minus strand). VCF-style: chr13-20188984-C-A. GRCh37 (hg19) VCF-style: chr13-20763123-C-A.
Other names: short protein forms G200*.
Identifiers: ClinVar variation 188973 (VCV000188973.6), dbSNP rs786204597, ClinGen allele CA274205.

ClinVar aggregate classification (germline): Pathogenic/Likely pathogenic. Review status: criteria provided, multiple submitters, no conflicts (2 of 4 stars). 4 submissions from 4 submitters: Pathogenic (2); Likely pathogenic (1). 1 of the submissions does not count toward it. Last evaluated 2024-11-06.

Conditions:
GJB2-related disorder. Also called: GJB2-related condition; GJB2-related disorders. Identifiers: MedGen CN382183, MONDO:1060236.
Nonsyndromic genetic hearing loss. Also called: Nonsyndromic hearing loss and deafness; Non-syndromic genetic deafness; Nonsyndromic genetic deafness. Identifiers: Orphanet 87884, MedGen C5680182, MONDO:0019497.
Autosomal recessive nonsyndromic hearing loss 1A (DFNB1A). Also called: Deafness, autosomal recessive 1A; GJB6-Related DFNB 1 Nonsyndromic Hearing Loss and Deafness; Connexin 26 deafness; Deafness nonsyndromic, Connexin 26 linked; GJB2-Related Autosomal Recessive Nonsyndromic Hearing Loss; Nonsyndromic Hearing Loss and Deafness, DFNB1. Identifiers: Orphanet 90636, MedGen C2673759, MONDO:0009076, OMIM 220290.

Allele frequency attached by ClinVar (database versions not stated): gnomAD exomes 0.00001 and 0.00002; TOPMed 0.00001.

Submissions (4):

Women's Health and Genetics/Laboratory Corporation of America, LabCorp
Classification: Pathogenic for Nonsyndromic genetic hearing loss. Last evaluated: 2024-11-06. Review status: criteria provided, single submitter. Criteria: LabCorp Variant Classification Summary - May 2015. Collection method: clinical testing. Allele origin: germline.
Comment: Variant summary: GJB2 c.598G>T (p.Gly200X) results in a premature termination codon, predicted to cause a truncation of the encoded protein, and downtream missense variants (p.Asn206Ser) has been associated disease. The variant allele was found at a frequency of 1.6e-05 in 251254 control chromosomes. c.598G>T has been reported in the literature in at-least one individual affected with Non-Syndromic Hearing Loss (example, Azaiez_2004). To our knowledge, no experimental evidence demonstrating an impact on protein function has been reported. The following publication has been ascertained in the context of this evaluation (PMID: 15365987). ClinVar contains an entry for this variant (Variation ID: 188973). Based on the evidence outlined above, the variant was classified as pathogenic.

Victorian Clinical Genetics Services, Murdoch Childrens Research Institute
Classification: Pathogenic for Autosomal recessive nonsyndromic hearing loss 1A. Last evaluated: 2021-05-06. Review status: criteria provided, single submitter. Criteria: ACMG Guidelines, 2015. Collection method: clinical testing. Allele origin: germline. Inheritance: Autosomal recessive inheritance.
Comment: Based on the classification scheme VCGS_Germline_v1.3.4, this variant is classified as Pathogenic. Following criteria are met: 0102 - Loss of function is a known mechanism of disease in this gene and is associated with both deafness and skin conditions (OMIM). Dominant negative is also a suggested mechanism (PMID: 28428247). (I) 0108 - This gene is associated with both recessive and dominant disease. The autosomal dominant diseases are commonly associated with pathogenic missense variants. The autosomal recessive disease is associated with bi-allelic loss-of-function variants and includes missense and protein truncating variants (NIH Genetics Home Reference, PMID: 12792423). (I) 0112 - The condition associated with this gene has incomplete penetrance, and is commonly reported for two specific missense (p.(Met34Thr), p.(Val37Ile)) (PMID:31160754). (I) 0304 - Variant is present in gnomAD (v2) <0.01 for a recessive condition (4 heterozygotes, 0 homozygotes). (SP) 0600 - Variant results in the loss of part of the annotated connexin domain (NCBI). (I) 0701 - Other protein truncating variants comparable to the one identified in this case have very strong previous evidence for pathogenicity. These downstream truncating variants have been reported in individuals with autosomal recessive hearing loss (ClinVar, Decipher, PMID: 15150777, PMID: 23141775) (SP) 0803 - This variant has limited previous evidence of pathogenicity in an individual. This variant has been reported as pathogenic (LOVD, deafnessvariationdatabase) and likely pathogenic in a research setting (ClinVar), and has been observed in an individual with autosomal recessive hearing loss or congenital deafness (PMID: 15365987). (SP) 0905 - No published segregation evidence has been identified for this variant. (I) 1007 - No published functional evidence has been identified for this variant. (I) 1208 - Inheritance information for this variant is not currently available in this individual. (I) Legend: (SP) - Supporting pathogenic, (I) - Information, (SB) - Supporting benign

Blueprint Genetics
Classification: Likely pathogenic for GJB2-related disorders. Last evaluated: 2019-03-13. Review status: criteria provided, single submitter. Criteria: ACMG Guidelines, 2015. Collection method: clinical testing. Allele origin: germline. Affected: yes. Observed: 1 variant allele.

Counsyl
Classification: Likely pathogenic for Deafness, autosomal recessive 1A. Last evaluated: 2014-09-23. Review status: no assertion criteria provided. Collection method: literature only. Allele origin: unknown. Inheritance: Autosomal recessive inheritance. Not counted in ClinVar's aggregate classification.

Literature cited by the submitters: PubMed 15365987 (cited by 3 submitters); PubMed 12792423 (cited by Victorian Clinical Genetics Services, Murdoch Childrens Research Institute); PubMed 28428247 (cited by Victorian Clinical Genetics Services, Murdoch Childrens Research Institute); PubMed 31160754 (cited by Victorian Clinical Genetics Services, Murdoch Childrens Research Institute); PubMed 15150777 (cited by Victorian Clinical Genetics Services, Murdoch Childrens Research Institute); PubMed 23141775 (cited by Victorian Clinical Genetics Services, Murdoch Childrens Research Institute); PubMed 25012701 (cited by Counsyl).